The following is an entry in ClinVar:

ClinVar aggregate classification (germline): Uncertain significance (1 of 4 stars; one submission).

Allele frequency attached by ClinVar (database versions not stated): TOPMed 0.00006.
gnomAD v4.1: 23 of 1,613,944 alleles (0.0014%); highest among the groups gnomAD compares: Middle Eastern, 0.066%; no homozygotes.

Submission:

Labcorp Genetics (formerly Invitae), Labcorp
Classification: Uncertain significance. Last evaluated: 2024-02-06. Review status: criteria provided, single submitter. Criteria: Invitae Variant Classification Sherloc (09022015). Collection method: clinical testing. Allele origin: germline.
Comment: This sequence change replaces proline, which is neutral and non-polar, with leucine, which is neutral and non-polar, at codon 263 of the RUNX2 protein (p.Pro263Leu). This variant is present in population databases (rs563772449, gnomAD 0.006%). This variant has not been reported in the literature in individuals affected with RUNX2-related conditions. ClinVar contains an entry for this variant (Variation ID: 1447413). Advanced modeling of protein sequence and biophysical properties (such as structural, functional, and spatial information, amino acid conservation, physicochemical variation, residue mobility, and thermodynamic stability) performed at Invitae indicates that this missense variant is not expected to disrupt RUNX2 protein function with a negative predictive value of 80%. In summary, the available evidence is currently insufficient to determine the role of this variant in disease. Therefore, it has been classified as a Variant of Uncertain Significance.

NM_001024630.4(RUNX2):c.788C>T (p.Pro263Leu)

Gene: RUNX2 (RUNX family transcription factor 2; plus strand). Cytogenetic location: 6p21.1.
Variant type: single nucleotide variant.
Coding change: c.788C>T on transcript NM_001024630.4 (MANE Select); coding-DNA position 788, C replaced by T.
Protein change: p.Pro263Leu; replaces proline 263 with leucine.
Molecular consequence: missense variant.
Genome position (GRCh38, 1-based): chr6:45,492,043, C>T. VCF-style: chr6-45492043-C-T. GRCh37 (hg19) VCF-style: chr6-45459780-C-T.
Other names: c.788C>T, p.Pro263Leu (NM_001015051.4); c.746C>T, p.Pro249Leu (NM_001278478.2, NM_001369405.1); short protein forms P249L, P263L.
Identifiers: ClinVar variation 1447413 (VCV001447413.8), dbSNP rs563772449, ClinGen allele CA3836492.